The following is an entry in ClinVar:

ClinVar aggregate classification (germline): Uncertain significance (1 of 4 stars; one submission).

Submission:

Labcorp Genetics (formerly Invitae), Labcorp
Classification: Uncertain significance. Last evaluated: 2022-08-12. Review status: criteria provided, single submitter. Criteria: Invitae Variant Classification Sherloc (09022015). Collection method: clinical testing. Allele origin: germline.
Comment: This variant is present in population databases (no rsID available, gnomAD 0.003%). This variant has not been reported in the literature in individuals affected with MYO7A-related conditions. Advanced modeling of protein sequence and biophysical properties (such as structural, functional, and spatial information, amino acid conservation, physicochemical variation, residue mobility, and thermodynamic stability) performed at Invitae indicates that this missense variant is not expected to disrupt MYO7A protein function. In summary, the available evidence is currently insufficient to determine the role of this variant in disease. Therefore, it has been classified as a Variant of Uncertain Significance. This sequence change replaces alanine, which is neutral and non-polar, with aspartic acid, which is acidic and polar, at codon 1089 of the MYO7A protein (p.Ala1089Asp).

NM_000260.4(MYO7A):c.3266C>A (p.Ala1089Asp)

Gene: MYO7A (myosin VIIA; plus strand). Cytogenetic location: 11q13.5.
Variant type: single nucleotide variant.
Coding change: c.3266C>A on transcript NM_000260.4 (MANE Select); coding-DNA position 3266, C replaced by A.
Protein change: p.Ala1089Asp; replaces alanine 1089 with aspartic acid.
Molecular consequence: missense variant.
Genome position (GRCh38, 1-based): chr11:77,182,581, C>A. VCF-style: chr11-77182581-C-A. GRCh37 (hg19) VCF-style: chr11-76893626-C-A.
Other names: c.3266C>A, p.Ala1089Asp (NM_001127180.2); c.3233C>A, p.Ala1078Asp (NM_001369365.1); short protein forms A1078D, A1089D.
Identifiers: ClinVar variation 1896624 (VCV001896624.5), dbSNP rs1555085586, ClinGen allele CA381945092.
Genomic context (GRCh38, chr11:77,182,581, plus strand): 5'-CTGTGATGACCAAGATTTATGAGACCCTGGGCAAGAAGACGTACAAGAGGGAGCTGCAGG[C>A]CCTGCAGGGCGAGGGCGAGGTGAGGCCAAGGTGCCCTCTGGATGATGTCCCTCCCAGGCC-3'
Protein context (NP_000251.3, residues 1079-1099): GKKTYKRELQ[Ala1089Asp]LQGEGEAQLP